The following is an entry in ClinVar:

NM_003051.4(SLC16A1):c.1002G>A (p.Ala334=)

Gene: SLC16A1 (solute carrier family 16 member 1; minus strand). Cytogenetic location: 1p13.2.
Variant type: single nucleotide variant.
Coding change: c.1002G>A on transcript NM_003051.4 (MANE Select); coding-DNA position 1002, G replaced by A.
Protein change: p.Ala334=; no amino-acid change (alanine 334 retained).
Molecular consequence: synonymous variant.
Genome position (GRCh38, 1-based): chr1:112,917,404, C>T on the plus strand (G>A on the coding strand, the complement: SLC16A1 is on the minus strand). VCF-style: chr1-112917404-C-T. GRCh37 (hg19) VCF-style: chr1-113460026-C-T.
Other names: c.1002G>A, p.Ala334= (NM_001166496.2).
Identifiers: ClinVar variation 258902 (VCV000258902.17), dbSNP rs114731222, ClinGen allele CA1011348.

ClinVar aggregate classification (germline): Benign/Likely benign. Review status: criteria provided, multiple submitters, no conflicts (2 of 4 stars). 4 submissions from 4 submitters: Benign (3); Likely benign (1). Last evaluated 2026-02-04.

Conditions:
Exercise-induced hyperinsulinism (HHF7). Identifiers: Orphanet 165991, MedGen C1864902, MONDO:0012396, OMIM 610021.

Allele frequency attached by ClinVar (database versions not stated): gnomAD exomes 0.00060 and 0.00155; ExAC 0.00183; gnomAD 0.00559 and 0.00609; TOPMed 0.00631; ESP Exome Variant Server 0.00661; 1000 Genomes Project 0.00719; 1000 Genomes Project 30x 0.00796.
gnomAD v4.1: 1,806 of 1,614,108 alleles (0.11%); highest among the groups gnomAD compares: African/African-American, 1.9%; 20 homozygotes.

Submissions (4):

Labcorp Genetics (formerly Invitae), Labcorp
Classification: Benign. Last evaluated: 2026-02-04. Review status: criteria provided, single submitter. Criteria: Invitae Variant Classification Sherloc (09022015). Collection method: clinical testing. Allele origin: germline.

ARUP Laboratories, Molecular Genetics and Genomics, ARUP Laboratories
Classification: Benign. Last evaluated: 2024-06-25. Review status: criteria provided, single submitter. Criteria: ARUP Molecular Germline Variant Investigation Process 2024. Collection method: clinical testing. Allele origin: germline.

Illumina Laboratory Services, Illumina
Classification: Likely benign for Exercise-induced hyperinsulinism. Last evaluated: 2018-01-12. Review status: criteria provided, single submitter. Criteria: ICSL Variant Classification Criteria 13 December 2019. Collection method: clinical testing. Allele origin: germline.
Comment: This variant was observed in the ICSL laboratory as part of a predisposition screen in an ostensibly healthy population. It had not been previously curated by ICSL or reported in the Human Gene Mutation Database (HGMD: prior to June 1st, 2018), and was therefore a candidate for classification through an automated scoring system. Utilizing variant allele frequency, disease prevalence and penetrance estimates, and inheritance mode, an automated score was calculated to assess if this variant is too frequent to cause the disease. Based on the score and internal cut-off values, a variant classified as likely benign is not then subjected to further curation. The score for this variant resulted in a classification of likely benign for this disease.

PreventionGenetics, part of Exact Sciences
Classification: Benign. Review status: criteria provided, single submitter. Criteria: ACMG Guidelines, 2015. Collection method: clinical testing. Allele origin: germline.